The following is an entry in ClinVar:

NM_003185.4(TAF4):c.2413C>T (p.Leu805Phe)

Gene: TAF4 (TATA-box binding protein associated factor 4; minus strand). Cytogenetic location: 20q13.33.
Variant type: single nucleotide variant.
Coding change: c.2413C>T on transcript NM_003185.4 (MANE Select); coding-DNA position 2413, C replaced by T.
Protein change: p.Leu805Phe; replaces leucine 805 with phenylalanine.
Molecular consequence: missense variant.
Genome position (GRCh38, 1-based): chr20:62,003,233, G>A on the plus strand (C>T on the coding strand, the complement: TAF4 is on the minus strand). VCF-style: chr20-62003233-G-A. GRCh37 (hg19) VCF-style: chr20-60578289-G-A.
Other names: short protein forms L805F.
Identifiers: ClinVar variation 4883698 (VCV004883698.2).

ClinVar aggregate classification (germline): Uncertain significance (1 of 4 stars; one submission).

gnomAD v4.1: 1 of 1,614,192 alleles (0.000062%); highest among the groups gnomAD compares: Non-Finnish European, 0.000085%; no homozygotes.

Submission:

Dasa
Classification: Uncertain significance. Last evaluated: 2025-01-13. Review status: criteria provided, single submitter. Criteria: DASA Assertion Criteria. Collection method: clinical testing. Allele origin: germline.
Comment: NM_003185.4(TAF4):c.2413C>T (p.Leu805Phe) is a missense variant that results in the substitution of leucine with phenylalanine. This variant is rare in population databases. Computational prediction algorithms are consistent with a benign effect. The currently available literature and clinical evidence are not sufficient to establish a definitive association between this variant and the reported condition. Therefore, this variant is classified as a variant of uncertain significance.